The following is an entry in ClinVar:

ClinVar aggregate classification (germline): Benign/Likely benign. Review status: criteria provided, multiple submitters, no conflicts (2 of 4 stars). 11 submissions from 9 submitters: Benign (10); Likely benign (1). Last evaluated 2026-02-04.

Conditions:
Hypopigmentation, organomegaly, and delayed myelination and development. Identifiers: MedGen C5203300, MONDO:0032805, OMIM 618541.
Autosomal recessive osteopetrosis 4. Also called: CLCN7-Related Osteopetrosis; infantile malignant CLCN7-related recessive osteopetrosis. Identifiers: Orphanet 667, MedGen C1969106, MONDO:0012676, OMIM 611490.
Autosomal dominant osteopetrosis 2. Also called: Osteopetroses; Marble bones; Albers-Schonberg disease; Osteosclerosis fragilis; Albers-Schönberg osteopetrosis; Albers-Schoenberg disease. Identifiers: Orphanet 53, MedGen C3179239, MONDO:0008156, OMIM 166600.
Osteopetrosis. Identifiers: Orphanet 2781, MedGen C0029454, MONDO:0017198, HP:0011002.

Allele frequency attached by ClinVar (database versions not stated): gnomAD exomes 0.49047; gnomAD 0.59863 and 0.59955; TOPMed 0.60246; ExAC 0.60627; 1000 Genomes Project 0.64936; 1000 Genomes Project 30x 0.65069.
gnomAD v4.1: 739,036 of 1,386,310 alleles (53%); highest among the groups gnomAD compares: African/African-American, 79%; 201,512 homozygotes.

Submissions (11):

Labcorp Genetics (formerly Invitae), Labcorp
Classification: Benign. Last evaluated: 2026-02-04. Review status: criteria provided, single submitter. Criteria: Invitae Variant Classification Sherloc (09022015). Collection method: clinical testing. Allele origin: germline.

Blueprint Genetics
Classification: Likely benign. Last evaluated: 2024-11-27. Review status: criteria provided, single submitter. Criteria: ACMG Guidelines, 2015. Collection method: clinical testing. Allele origin: germline.

Mayo Clinic Laboratories, Mayo Clinic
Classification: Benign. Last evaluated: 2022-09-06. Review status: criteria provided, single submitter. Criteria: ACMG Guidelines, 2015. Collection method: clinical testing. Allele origin: germline. Observed: 39 variant alleles.

Genome-Nilou Lab
Classification: Benign for Hypopigmentation, organomegaly, and delayed myelination and development. Last evaluated: 2021-07-14. Review status: criteria provided, single submitter. Criteria: ACMG Guidelines, 2015. Collection method: clinical testing. Allele origin: germline. Affected: no.

Genome-Nilou Lab
Classification: Benign for Autosomal dominant osteopetrosis 2. Last evaluated: 2021-07-14. Review status: criteria provided, single submitter. Criteria: ACMG Guidelines, 2015. Collection method: clinical testing. Allele origin: germline. Affected: no.

Genome-Nilou Lab
Classification: Benign for Autosomal recessive osteopetrosis 4. Last evaluated: 2021-07-14. Review status: criteria provided, single submitter. Criteria: ACMG Guidelines, 2015. Collection method: clinical testing. Allele origin: germline. Affected: no.

GeneDx
Classification: Benign. Last evaluated: 2018-11-10. Review status: criteria provided, single submitter. Criteria: GeneDx Variant Classification Process June 2021. Collection method: clinical testing. Allele origin: germline. Affected: yes.

Illumina Laboratory Services, Illumina
Classification: Benign for Osteopetrosis. Last evaluated: 2018-01-12. Review status: criteria provided, single submitter. Criteria: ICSL Variant Classification Criteria 13 December 2019. Collection method: clinical testing. Allele origin: germline.
Comment: This variant was observed in the ICSL laboratory as part of a predisposition screen in an ostensibly healthy population. It had not been previously curated by ICSL or reported in the Human Gene Mutation Database (HGMD: prior to June 1st, 2018), and was therefore a candidate for classification through an automated scoring system. Utilizing variant allele frequency, disease prevalence and penetrance estimates, and inheritance mode, an automated score was calculated to assess if this variant is too frequent to cause the disease. Based on the score and internal cut-off values, a variant classified as benign is not then subjected to further curation. The score for this variant resulted in a classification of benign for this disease.

Eurofins Ntd Llc (ga)
Classification: Benign. Last evaluated: 2015-05-12. Review status: criteria provided, single submitter. Criteria: EGL Classification Definitions 2015. Collection method: clinical testing. Allele origin: germline. Observed: 2 variant alleles, 1 heterozygote, 1 homozygote.

Breakthrough Genomics
Classification: Benign. Review status: criteria provided, single submitter. Criteria: ACMG Guidelines, 2015. Collection method: not provided. Allele origin: germline. Inheritance: Autosomal recessive inheritance. Affected: yes.

PreventionGenetics, part of Exact Sciences
Classification: Benign. Review status: criteria provided, single submitter. Criteria: ACMG Guidelines, 2015. Collection method: clinical testing. Allele origin: germline.

NM_001287.6(CLCN7):c.126T>C (p.Pro42=)

Genes: CLCN7 (Cl-/H+ antiporter 7; minus strand), LOC130058166 (ATAC-STARR-seq lymphoblastoid silent region 6986; plus strand). Cytogenetic location: 16p13.3.
Variant type: single nucleotide variant.
Coding change: c.126T>C on transcript NM_001287.6 (MANE Select); coding-DNA position 126, T replaced by C.
Protein change: p.Pro42=; no amino-acid change (proline 42 retained).
Molecular consequence: synonymous variant.
Genome position (GRCh38, 1-based): chr16:1,474,849, A>G on the plus strand (T>C on the coding strand, the complement: CLCN7 is on the minus strand). VCF-style: chr16-1474849-A-G. GRCh37 (hg19) VCF-style: chr16-1524850-A-G.
Other names: p.Pro42=; c.126T>C, p.Pro42= (NM_001114331.3).
Identifiers: ClinVar variation 193203 (VCV000193203.25), dbSNP rs3751884, ClinGen allele CA200401.
Genomic context (GRCh38, chr16:1,474,849, plus strand): 5'-CGCACGAGGGCTCAGTTTCCCCGCCTGCGCCCTGCCCGGCCTCACCTGGCGCGCAGCCCC[A>G]GGCCCAGCCCCGTTCAGCAGCGGCGTCCCCCCGCCGGGCCGCGCCGTCCTCCGCAGCAGC-3'
Protein context (NP_001278.1, residues 32-52): GGTPLLNGAG[Pro42=]GAARQSPRSA